The following is an entry in ClinVar:

ClinVar aggregate classification (germline): Benign/Likely benign. Review status: criteria provided, multiple submitters, no conflicts (2 of 4 stars). 2 submissions from 2 submitters: Benign (1); Likely benign (1). Last evaluated 2022-05-01.

Allele frequency attached by ClinVar (database versions not stated): 1000 Genomes Project 30x 0.00187; 1000 Genomes Project 0.00200; TOPMed 0.00308; ExAC 0.00365; gnomAD exomes 0.00374 and 0.00514; gnomAD 0.00381 and 0.00391; ESP Exome Variant Server 0.00470.
gnomAD v4.1: 8,076 of 1,611,812 alleles (0.5%); highest among the groups gnomAD compares: Non-Finnish European, 0.57%; 37 homozygotes.

Submissions (2):

CeGaT Center for Human Genetics Tuebingen
Classification: Likely benign. Last evaluated: 2022-05-01. Review status: criteria provided, single submitter. Criteria: CeGaT Center For Human Genetics Tuebingen Variant Classification Criteria Version 2. Collection method: clinical testing. Allele origin: germline. Affected: yes. Observed: 1 variant allele.
Comment: PREX1: BP4, BP7

Labcorp Genetics (formerly Invitae), Labcorp
Classification: Benign. Last evaluated: 2018-06-26. Review status: criteria provided, single submitter. Criteria: Invitae Variant Classification Sherloc (09022015). Collection method: clinical testing. Allele origin: germline.

NM_020820.4(PREX1):c.4044C>T (p.Tyr1348=)

Gene: PREX1 (phosphatidylinositol-3,4,5-trisphosphate dependent Rac exchange factor 1; minus strand). Cytogenetic location: 20q13.13.
Variant type: single nucleotide variant.
Coding change: c.4044C>T on transcript NM_020820.4 (MANE Select); coding-DNA position 4044, C replaced by T.
Protein change: p.Tyr1348=; no amino-acid change (tyrosine 1348 retained).
Molecular consequence: synonymous variant.
Genome position (GRCh38, 1-based): chr20:48,636,586, G>A on the plus strand (C>T on the coding strand, the complement: PREX1 is on the minus strand). VCF-style: chr20-48636586-G-A. GRCh37 (hg19) VCF-style: chr20-47253124-G-A.
Identifiers: ClinVar variation 774531 (VCV000774531.27), dbSNP rs149034868, ClinGen allele CA9896715.